The following is an entry in ClinVar:

NM_177438.3(DICER1):c.1525C>T (p.Arg509Ter)

Gene: DICER1 (dicer 1, ribonuclease III; minus strand). Cytogenetic location: 14q32.13.
Variant type: single nucleotide variant.
Coding change: c.1525C>T on transcript NM_177438.3 (MANE Select); coding-DNA position 1525, C replaced by T.
Protein change: p.Arg509Ter; replaces arginine 509 with a stop codon.
Molecular consequence: nonsense.
Genome position (GRCh38, 1-based): chr14:95,116,680, G>A on the plus strand (C>T on the coding strand, the complement: DICER1 is on the minus strand). VCF-style: chr14-95116680-G-A. GRCh37 (hg19) VCF-style: chr14-95583017-G-A.
Other names: p.Arg509*; c.1525C>T, p.Arg509Ter (NM_001195573.1, NM_001271282.3, NM_001291628.2 and 1 more transcripts); short protein forms R509*.
Identifiers: ClinVar variation 254288 (VCV000254288.24), dbSNP rs886037672, ClinGen allele CA10586457.

ClinVar aggregate classification (germline): Pathogenic. Review status: criteria provided, multiple submitters, no conflicts (2 of 4 stars). 10 submissions from 10 submitters: Pathogenic (10). Last evaluated 2026-03-17.

Conditions:
Hereditary cancer-predisposing syndrome. Also called: Neoplastic Syndromes, Hereditary; Hereditary Cancer Syndrome; Hereditary neoplastic syndrome; Tumor predisposition. Identifiers: Orphanet 140162, MedGen C0027672, MeSH D009386, MONDO:0015356.
Rhabdomyosarcoma, embryonal, 2 (RMSE2). Identifiers: MedGen C1867234, MONDO:0859046, OMIM 180295.
Pleuropulmonary blastoma (PPB). Identifiers: Orphanet 64742, MedGen C1266144, MONDO:0011014, OMIM 601200, HP:0100528.
DICER1-related tumor predisposition. Also called: DICER1-related pleuropulmonary blastoma cancer predisposition syndrome; DICER1 syndrome. Identifiers: Orphanet 284343, MedGen C3839822, MONDO:0100216.
Global developmental delay - lung cysts - overgrowth - Wilms tumor syndrome. Also called: GLOBAL DEVELOPMENTAL DELAY, LUNG CYSTS, OVERGROWTH, AND WILMS TUMOR; GLOW Syndrome. Identifiers: Orphanet 404476, MedGen C4748924, MONDO:0018445, OMIM 618272.

Allele frequency attached by ClinVar (database versions not stated): gnomAD exomes below 0.00001.

Submissions (10):

Myriad Genetics, Inc.
Classification: Pathogenic for DICER1-related tumor predisposition. Last evaluated: 2026-03-17. Review status: criteria provided, single submitter. Criteria: Myriad Autosomal Dominant, Autosomal Recessive and X-Linked Classification Criteria (2023). Collection method: clinical testing. Allele origin: unknown.
Comment: This variant is considered pathogenic. This variant creates a termination codon and is predicted to result in premature protein truncation.

Labcorp Genetics (formerly Invitae), Labcorp
Classification: Pathogenic for DICER1-related tumor predisposition. Last evaluated: 2026-01-26. Review status: criteria provided, single submitter. Criteria: Invitae Variant Classification Sherloc (09022015). Collection method: clinical testing. Allele origin: germline.
Comment: This sequence change creates a premature translational stop signal (p.Arg509*) in the DICER1 gene. It is expected to result in an absent or disrupted protein product. Loss-of-function variants in DICER1 are known to be pathogenic (PMID: 19556464, 21266384). This variant is not present in population databases (gnomAD no frequency). This premature translational stop signal has been observed in individual(s) with multinodular goiter (PMID: 23728841, 24839956, 26925222, 27459524). ClinVar contains an entry for this variant (Variation ID: 254288). Algorithms developed to predict the effect of sequence changes on RNA splicing suggest that this variant may create or strengthen a splice site. For these reasons, this variant has been classified as Pathogenic.

Ambry Genetics
Classification: Pathogenic for Hereditary cancer-predisposing syndrome. Last evaluated: 2025-03-10. Review status: criteria provided, single submitter. Criteria: Ambry Variant Classification Scheme 2023. Collection method: clinical testing. Allele origin: germline.
Comment: The p.R509* pathogenic mutation (also known as c.1525C>T), located in coding exon 9 of the DICER1 gene, results from a C to T substitution at nucleotide position 1525. This changes the amino acid from an arginine to a stop codon within coding exon 9. This variant was reported in individual(s) with features consistent with DICER1-related tumor predisposition syndrome (Darrat I et al. Head Neck, 2013 Dec;35:E369-71; de Kock L et al. Acta Neuropathol, 2014 Jul;128:111-22; Khan NE et al. Pediatr Nephrol, 2018 Dec;33:2281-2288; Dural O et al. J Pediatr Adolesc Gynecol, 2020 Apr;33:173-176). In addition to the clinical data presented in the literature, this alteration is expected to result in loss of function by premature protein truncation or nonsense-mediated mRNA decay. As such, this alteration is interpreted as a disease-causing mutation.

Hereditary Cancer Group, L’Institut d'Investigació Biomèdica de Bellvitge
Classification: Pathogenic for DICER1-related tumor predisposition. Last evaluated: 2024-12-19. Review status: criteria provided, single submitter. Criteria: Hatton et al. (Hum Mutat. 2023). Collection method: clinical testing. Allele origin: germline. Inheritance: Autosomal dominant inheritance. Affected: yes.
Comment: PVS1, PS2, PS4, PM2_supporting, PP4

Molecular Genetics and NGS Laboratory, Hospital Fundacion Valle Del Lili
Classification: Pathogenic for Rhabdomyosarcoma, embryonal, 2; Pleuropulmonary blastoma. Last evaluated: 2024-09-05. Review status: criteria provided, single submitter. Criteria: ACMG Guidelines, 2015. Collection method: clinical testing. Allele origin: germline. Affected: yes. Observed: 1 variant allele.
Comment: Null variant (nonsense) in gene DICER1, predicted to cause NMD. Loss-of-function is a known mechanism of disease. The exon contains 25 pathogenic variants. The truncated region contains 550 pathogenic variants (PVS1). Combined evidence strength is Very Strong (score = 9).Very Strong: ClinVar classifies this variant as Pathogenic, 2 stars associated with Global Developmental Delay - Lung Cysts - Overgrowth - Wilms Tumor Syndrome.Supporting: LOVD classifies this variant as Pathogenic (PP5). Variant not found in gnomAD genomes, good gnomAD genomes coverage = 31.0.GnomAD exomes allele count = 1 is less than 5 for AD gene DICER1 (PM2). In addition, a heterozygous germline pathogenic variant of the DICER1 gene was identified.

Institute for Genomic Medicine (IGM) Clinical Laboratory, Nationwide Children's Hospital
Classification: Pathogenic for DICER1-related tumor predisposition. Last evaluated: 2024-04-18. Review status: criteria provided, single submitter. Criteria: ACMG Guidelines, 2015. Collection method: clinical testing. Allele origin: germline.
Comment: This variant is predicted to result in loss of function through nonsense-mediated decay of the encoded transcript or premature truncation of the encoded protein in a gene in which loss of function is a known mechanism of disease (ACMG/AMP: PVS1; PMIDs:26925222, 31342592). This variant has been reported at an elevated frequency in affected individuals/in multiple affected individuals in the literature (ACMG/AMP: PS4; PMIDs:23728841, 26925222, 30178239, 31838154). This variant is absent from or present at an exceedingly low frequency in gnomAD, a large-scale control population database (ACMG/AMP: PM2). This variant has been reported to occur de novo in an affected individual in the literature without parental identity confirmed (ACMG/AMP: PM6; PMID:24839956).

Baylor Genetics
Classification: Pathogenic for Global developmental delay - lung cysts - overgrowth - Wilms tumor syndrome. Last evaluated: 2023-04-19. Review status: criteria provided, single submitter. Criteria: ACMG Guidelines, 2015. Collection method: clinical testing. Allele origin: unknown.

Foulkes Cancer Genetics LDI, Lady Davis Institute for Medical Research
Classification: Pathogenic for Pleuropulmonary blastoma. Last evaluated: 2019-07-01. Review status: criteria provided, single submitter. Criteria: ACMG Guidelines, 2015. Collection method: curation. Allele origin: unknown. Affected: yes. Observed: 1 variant allele.
Comment: ACMG criteria met: PVS1, PM2, PM7, PP4

PreventionGenetics, part of Exact Sciences
Classification: Pathogenic. Last evaluated: 2018-02-23. Review status: criteria provided, single submitter. Criteria: ACMG Guidelines, 2015. Collection method: clinical testing. Allele origin: germline.

International Pleuropulmonary Blastoma Registry, Children's Hospitals and Clinics of Minnesota
Classification: Pathogenic for Pleuropulmonary blastoma. Last evaluated: 2014-11-10. Review status: criteria provided, single submitter. Criteria: Hill et al. (Science. 2009). Collection method: clinical testing. Allele origin: germline. Affected: yes. Study: PPB-DICER1 Genetic study.

Literature cited by the submitters: PubMed 19556464 (cited by Labcorp Genetics (formerly Invitae), Labcorp); PubMed 21266384 (cited by Labcorp Genetics (formerly Invitae), Labcorp); PubMed 23728841 (cited by 3 submitters); PubMed 24839956 (cited by 3 submitters); PubMed 26925222 (cited by 3 submitters); PubMed 27459524 (cited by Labcorp Genetics (formerly Invitae), Labcorp); PubMed 30178239 (cited by Ambry Genetics and Institute for Genomic Medicine (IGM) Clinical Laboratory, Nationwide Children's Hospital); PubMed 31838154 (cited by Ambry Genetics and Institute for Genomic Medicine (IGM) Clinical Laboratory, Nationwide Children's Hospital); PubMed 31342592 (cited by Institute for Genomic Medicine (IGM) Clinical Laboratory, Nationwide Children's Hospital); PubMed 29883781 (cited by Foulkes Cancer Genetics LDI, Lady Davis Institute for Medical Research).